The following is an entry in ClinVar:

ClinVar aggregate classification (germline): Likely pathogenic (1 of 4 stars; one submission).

Conditions:
Schneckenbecken dysplasia. Identifiers: Orphanet 3144, MedGen C0432194, MONDO:0010013, OMIM 269250.

Submission:

Labcorp Genetics (formerly Invitae), Labcorp
Classification: Likely pathogenic for Schneckenbecken dysplasia. Last evaluated: 2024-07-31. Review status: criteria provided, single submitter. Criteria: Invitae Variant Classification Sherloc (09022015). Collection method: clinical testing. Allele origin: germline.
Comment: This sequence change affects a donor splice site in intron 10 of the SLC35D1 gene. It is expected to disrupt RNA splicing. Variants that disrupt the donor or acceptor splice site typically lead to a loss of protein function (PMID: 16199547), and loss-of-function variants in SLC35D1 are known to be pathogenic (PMID: 17952091, 19508970). This variant is not present in population databases (gnomAD no frequency). This variant has not been reported in the literature in individuals affected with SLC35D1-related conditions. Algorithms developed to predict the effect of sequence changes on RNA splicing suggest that this variant may disrupt the consensus splice site. In summary, the currently available evidence indicates that the variant is pathogenic, but additional data are needed to prove that conclusively. Therefore, this variant has been classified as Likely Pathogenic.

Literature cited by the submitters: PubMed 16199547; PubMed 17952091; PubMed 19508970.

NM_015139.3(SLC35D1):c.876+1G>A

Gene: SLC35D1 (solute carrier family 35 member D1; minus strand). Cytogenetic location: 1p31.3.
Variant type: single nucleotide variant.
Coding change: c.876+1G>A on transcript NM_015139.3 (MANE Select); the canonical splice donor site of the intron after coding-DNA position 876, G replaced by A.
Molecular consequence: splice donor variant.
Genome position (GRCh38, 1-based): chr1:67,020,368, C>T on the plus strand (G>A on the coding strand, the complement: SLC35D1 is on the minus strand). VCF-style: chr1-67020368-C-T. GRCh37 (hg19) VCF-style: chr1-67486051-C-T.
Identifiers: ClinVar variation 3652026 (VCV003652026.2).